The following is an entry in ClinVar:

NM_001378452.1(ITPR1):c.5717G>C (p.Arg1906Pro)

Gene: ITPR1 (inositol 1,4,5-trisphosphate receptor type 1; plus strand). Cytogenetic location: 3p26.1.
Variant type: single nucleotide variant.
Coding change: c.5717G>C on transcript NM_001378452.1 (MANE Select); coding-DNA position 5717, G replaced by C.
Protein change: p.Arg1906Pro; replaces arginine 1906 with proline.
Molecular consequence: missense variant.
Genome position (GRCh38, 1-based): chr3:4,766,702, G>C. VCF-style: chr3-4766702-G-C. GRCh37 (hg19) VCF-style: chr3-4808386-G-C.
Other names: c.5573G>C, p.Arg1858Pro (NM_001099952.4); c.5672G>C, p.Arg1891Pro (NM_001168272.2); c.5528G>C, p.Arg1843Pro (NM_002222.7); short protein forms R1843P, R1858P, R1891P, R1906P.
Identifiers: ClinVar variation 3719121 (VCV003719121.2).

ClinVar aggregate classification (germline): Uncertain significance (1 of 4 stars; one submission).

gnomAD v4.1: 1 of 1,591,540 alleles (0.000063%); highest among the groups gnomAD compares: African/African-American, 0.0014%; no homozygotes.

Submission:

Labcorp Genetics (formerly Invitae), Labcorp
Classification: Uncertain significance. Last evaluated: 2025-02-27. Review status: criteria provided, single submitter. Criteria: Invitae Variant Classification Sherloc (09022015). Collection method: clinical testing. Allele origin: germline.
Comment: This sequence change replaces arginine, which is basic and polar, with proline, which is neutral and non-polar, at codon 1843 of the ITPR1 protein (p.Arg1843Pro). This variant is not present in population databases (gnomAD no frequency). This variant has not been reported in the literature in individuals affected with ITPR1-related conditions. Invitae Evidence Modeling of protein sequence and biophysical properties (such as structural, functional, and spatial information, amino acid conservation, physicochemical variation, residue mobility, and thermodynamic stability) indicates that this missense variant is not expected to disrupt ITPR1 protein function with a negative predictive value of 80%. In summary, the available evidence is currently insufficient to determine the role of this variant in disease. Therefore, it has been classified as a Variant of Uncertain Significance.